The following is an entry in ClinVar:

ClinVar aggregate classification (germline): Uncertain significance (1 of 4 stars; one submission).

Conditions:
Cardiovascular phenotype. Identifiers: MedGen CN230736.

gnomAD v4.1: 26 of 1,608,536 alleles (0.0016%); highest among the groups gnomAD compares: South Asian, 0.0044%; no homozygotes.

Submission:

Ambry Genetics
Classification: Uncertain significance for Cardiovascular phenotype. Last evaluated: 2026-09-12. Review status: criteria provided, single submitter. Criteria: Ambry Variant Classification Scheme 2023. Collection method: clinical testing. Allele origin: germline.
Comment: The p.R1476H variant (also known as c.4427G>A), located in coding exon 11 of the TNXB gene, results from a G to A substitution at nucleotide position 4427. The arginine at codon 1476 is replaced by histidine, an amino acid with highly similar properties. This amino acid position is conserved. In addition, this alteration is predicted to be tolerated by in silico analysis. Based on the available evidence, the clinical significance of this variant remains unclear.

NM_001365276.2(TNXB):c.4427G>A (p.Arg1476His)

Gene: TNXB (tenascin XB; minus strand). Cytogenetic location: 6p21.33.
Variant type: single nucleotide variant.
Coding change: c.4427G>A on transcript NM_001365276.2 (MANE Select); coding-DNA position 4427, G replaced by A.
Protein change: p.Arg1476His; replaces arginine 1476 with histidine.
Molecular consequence: missense variant.
Genome position (GRCh38, 1-based): chr6:32,073,901, C>T on the plus strand (G>A on the coding strand, the complement: TNXB is on the minus strand). VCF-style: chr6-32073901-C-T. GRCh37 (hg19) VCF-style: chr6-32041678-C-T.
Other names: c.5168G>A, p.Arg1723His (NM_001428335.1); c.4427G>A, p.Arg1476His (NM_019105.8); short protein forms R1476H, R1723H.
Identifiers: ClinVar variation 5031054 (VCV005031054.1).